The following is an entry in ClinVar:

ClinVar aggregate classification (germline): Likely pathogenic (1 of 4 stars; one submission).

Conditions:
Dilated cardiomyopathy 1G (CMD1G). Identifiers: Orphanet 154, MedGen C1858763, MONDO:0011400, OMIM 604145.
Autosomal recessive limb-girdle muscular dystrophy type 2J (LGMDR10). Also called: Limb-girdle muscular dystrophy, type 2J; MUSCULAR DYSTROPHY, LIMB-GIRDLE, AUTOSOMAL RECESSIVE 10. Identifiers: Orphanet 140922, MedGen C1837342, MONDO:0012127, OMIM 608807.

Submission:

Labcorp Genetics (formerly Invitae), Labcorp
Classification: Likely pathogenic for Dilated cardiomyopathy 1G; Autosomal recessive limb-girdle muscular dystrophy type 2J. Last evaluated: 2025-10-03. Review status: criteria provided, single submitter. Criteria: Invitae Variant Classification Sherloc (09022015). Collection method: clinical testing. Allele origin: germline.
Comment: This sequence change affects an acceptor splice site in intron 284 of the TTN gene. It is expected to disrupt RNA splicing and likely results in a truncated or disrupted TTN protein. This variant is not present in population databases (gnomAD no frequency). This variant has not been reported in the literature in individuals affected with TTN-related conditions. Algorithms developed to predict the effect of sequence changes on RNA splicing suggest that this variant may disrupt the consensus splice site. This variant is located in the A band of TTN (PMID: 25589632). Truncating variants in this region are significantly overrepresented in patients affected with dilated cardiomyopathy (PMID: 25589632). Truncating variants in this region have also been reported in individuals affected with autosomal recessive centronuclear myopathy (PMID: 23975875). In summary, the currently available evidence indicates that the variant is pathogenic, but additional data are needed to prove that conclusively. Therefore, this variant has been classified as Likely Pathogenic.

Literature cited by the submitters: PubMed 25589632; PubMed 23975875.

NM_001267550.2(TTN):c.55270-1G>C

Genes: TTN (titin; minus strand), TTN-AS1 (TTN antisense RNA 1; plus strand). Cytogenetic location: 2q31.2.
Variant type: single nucleotide variant.
Coding change: c.55270-1G>C on transcript NM_001267550.2 (MANE Select); the canonical splice acceptor site of the intron before coding-DNA position 55270, G replaced by C.
Molecular consequence: splice acceptor variant.
Genome position (GRCh38, 1-based): chr2:178,601,915, C>G on the plus strand (G>C on the coding strand, the complement: TTN is on the minus strand). VCF-style: chr2-178601915-C-G. GRCh37 (hg19) VCF-style: chr2-179466642-C-G.
Other names: c.28075-1G>C (NM_003319.4); c.28651-1G>C (NM_133437.4); c.28450-1G>C (NM_133432.3); c.47566-1G>C (NM_133378.4); c.50347-1G>C (NM_001256850.1).
Identifiers: ClinVar variation 4783893 (VCV004783893.1).
Genomic context (GRCh38, chr2:178,601,915, plus strand): 5'-GAATTATTTTAATTATTATTTTTTTACCTGTGCATCTTCGGGTATGTCATGAACTCCATC[C>G]TATTAGAAAAGGAGACAGTCAGTTGTAGTATAAATACTCCTTATAGTGATTCAGTGGAAA-3'